The following is an entry in ClinVar:

NM_020435.4(GJC2):c.721C>T (p.Pro241Ser)

Gene: GJC2 (gap junction protein gamma 2; plus strand). Cytogenetic location: 1q42.13.
Variant type: single nucleotide variant.
Coding change: c.721C>T on transcript NM_020435.4 (MANE Select); coding-DNA position 721, C replaced by T.
Protein change: p.Pro241Ser; replaces proline 241 with serine.
Molecular consequence: missense variant.
Genome position (GRCh38, 1-based): chr1:228,158,479, C>T. VCF-style: chr1-228158479-C-T. GRCh37 (hg19) VCF-style: chr1-228346180-C-T.
Other names: c.721C>T (NM_020435.3); short protein forms P241S.
Identifiers: ClinVar variation 2154794 (VCV002154794.4), dbSNP rs1190733472, ClinGen allele CA345099142.

ClinVar aggregate classification (germline): Uncertain significance. Review status: criteria provided, multiple submitters, no conflicts (2 of 4 stars). 2 submissions from 2 submitters: Uncertain significance (2). Last evaluated 2026-03-24.

Conditions:
Spastic paraplegia. Identifiers: MedGen C0037772, HP:0001258.

Allele frequency attached by ClinVar (database versions not stated): gnomAD 0.00001; TOPMed below 0.00001; gnomAD exomes 0.00003.

Submissions (2):

GeneDx
Classification: Uncertain significance. Last evaluated: 2026-03-24. Review status: criteria provided, single submitter. Criteria: GeneDx Variant Classification Process June 2021. Collection method: clinical testing. Allele origin: germline.
Comment: Not observed at significant frequency in large population cohorts (gnomAD); In silico analysis supports that this missense variant has a deleterious effect on protein structure/function; Has not been previously published as pathogenic or benign to our knowledge

Labcorp Genetics (formerly Invitae), Labcorp
Classification: Uncertain significance for Spastic paraplegia. Last evaluated: 2024-02-24. Review status: criteria provided, single submitter. Criteria: Invitae Variant Classification Sherloc (09022015). Collection method: clinical testing. Allele origin: germline.
Comment: This sequence change replaces proline, which is neutral and non-polar, with serine, which is neutral and polar, at codon 241 of the GJC2 protein (p.Pro241Ser). This variant is present in population databases (no rsID available, gnomAD 0.003%). This variant has not been reported in the literature in individuals affected with GJC2-related conditions. ClinVar contains an entry for this variant (Variation ID: 2154794). Advanced modeling of protein sequence and biophysical properties (such as structural, functional, and spatial information, amino acid conservation, physicochemical variation, residue mobility, and thermodynamic stability) has been performed at Invitae for this missense variant, however the output from this modeling did not meet the statistical confidence thresholds required to predict the impact of this variant on GJC2 protein function. In summary, the available evidence is currently insufficient to determine the role of this variant in disease. Therefore, it has been classified as a Variant of Uncertain Significance.